The following is an entry in ClinVar:

ClinVar aggregate classification (germline): Uncertain significance (1 of 4 stars; one submission).

Conditions:
NIK deficiency. Also called: Primary immunodeficiency with multifaceted aberrant lymphoid immunity. Identifiers: Orphanet 447731, MedGen C5680065, MONDO:0018642.

Allele frequency attached by ClinVar (database versions not stated): TOPMed below 0.00001.

Submission:

Labcorp Genetics (formerly Invitae), Labcorp
Classification: Uncertain significance for NIK deficiency. Last evaluated: 2021-02-03. Review status: criteria provided, single submitter. Criteria: Invitae Variant Classification Sherloc (09022015). Collection method: clinical testing. Allele origin: germline.
Comment: In summary, the available evidence is currently insufficient to determine the role of this variant in disease. Therefore, it has been classified as a Variant of Uncertain Significance. Nucleotide substitutions within the consensus splice site are a relatively common cause of aberrant splicing (PMID: 17576681, 9536098). Algorithms developed to predict the effect of sequence changes on RNA splicing suggest that this variant is not likely to affect RNA splicing, but this prediction has not been confirmed by published transcriptional studies. This variant has not been reported in the literature in individuals with MAP3K14-related conditions. This variant is not present in population databases (ExAC no frequency). This sequence change falls in intron 11 of the MAP3K14 gene. It does not directly change the encoded amino acid sequence of the MAP3K14 protein. It affects a nucleotide within the consensus splice site of the intron.

Literature cited by the submitters: PubMed 17576681; PubMed 9536098.

NM_003954.5(MAP3K14):c.1973-3T>C

Genes: MAP3K14 (mitogen-activated protein kinase kinase kinase 14; minus strand), MAP3K14-AS1 (MAP3K14 antisense RNA 1; plus strand), LOC126862575 (CDK7 strongly-dependent group 2 enhancer GRCh37_chr17:43344006-43345205; plus strand). Cytogenetic location: 17q21.31.
Variant type: single nucleotide variant.
Coding change: c.1973-3T>C on transcript NM_003954.5 (MANE Select); 3 bases into the intron before coding-DNA position 1973, T replaced by C.
Molecular consequence: intron variant.
Genome position (GRCh38, 1-based): chr17:45,267,762, A>G on the plus strand (T>C on the coding strand, the complement: MAP3K14 is on the minus strand). VCF-style: chr17-45267762-A-G. GRCh37 (hg19) VCF-style: chr17-43345129-A-G.
Identifiers: ClinVar variation 1522748 (VCV001522748.6), dbSNP rs2044106407, ClinGen allele CA500639607.
Genomic context (GRCh38, chr17:45,267,762, plus strand): 5'-GGCGGTGGATGTCTTGGTTCTTTATATTCTCCCCTCCAAGGGCTCTTCAGACCTCCCACT[A>G]GAAAACAGAGAGTACAATGGTGAGGGGAAGCGTGCTGTGCACAGACAGCGGTCCAGGCAG-3'